The following is an entry in ClinVar:

NM_017780.4(CHD7):c.6989del (p.Gly2330fs)

Gene: CHD7 (chromodomain helicase DNA binding protein 7; plus strand). Cytogenetic location: 8q12.2.
Variant type: Deletion.
Coding change: c.6989del on transcript NM_017780.4 (MANE Select); coding-DNA position 6989, one base deleted (G; older notation c.6989delG).
Protein change: p.Gly2330fs; shifts the reading frame from glycine 2330.
Molecular consequence: frameshift variant. On other transcripts: intron variant (1).
Genome position (GRCh38, 1-based): chr8:60,856,027, G deleted; the last of 2 consecutive G bases (chr8:60,856,026-60,856,027); deleting either gives the same sequence. VCF-style (leftmost placement, unchanged base first): chr8-60856025-AG-A. GRCh37 (hg19) VCF-style: chr8-61768584-AG-A.
Other names: c.1717-6202del (NM_001316690.1); short protein forms G2330fs.
Identifiers: ClinVar variation 618016 (VCV000618016.8), dbSNP rs1563664199, ClinGen allele CA913190116.

ClinVar aggregate classification (germline): Pathogenic (1 of 4 stars; one submission).

Submission:

ARUP Laboratories, Molecular Genetics and Genomics, ARUP Laboratories
Classification: Pathogenic. Last evaluated: 2018-02-15. Review status: criteria provided, single submitter. Criteria: ARUP Molecular Germline Variant Investigation Process. Collection method: clinical testing. Allele origin: germline.
Comment: The CDH7 c.6989delG; p.Gly2330fs variant, to our knowledge, is not reported in the medical literature, in gene-specific databases, or in the ClinVar database. The variant is not listed in the general population-based databases (1000 Genomes Project, Exome Variant Server, and Genome Aggregation Database), indicating it is not a common polymorphism. This variant deletes one nucleotide, causes a frameshift, and is predicted to result in a truncated protein or mRNA subject to nonsense-mediated decay. Considering available information, this variant is classified as pathogenic.